The following is an entry in ClinVar:

NM_001001331.4(ATP2B2):c.941-1G>A

Gene: ATP2B2 (ATPase plasma membrane Ca2+ transporting 2; minus strand). Cytogenetic location: 3p25.3.
Variant type: single nucleotide variant.
Coding change: c.941-1G>A on transcript NM_001001331.4 (MANE Select); the canonical splice acceptor site of the intron before coding-DNA position 941, G replaced by A.
Molecular consequence: splice acceptor variant. On other transcripts: intron variant (4).
Genome position (GRCh38, 1-based): chr3:10,385,328, C>T on the plus strand (G>A on the coding strand, the complement: ATP2B2 is on the minus strand). VCF-style: chr3-10385328-C-T. GRCh37 (hg19) VCF-style: chr3-10427012-C-T.
Other names: c.907+2949G>A (NM_001353564.1, NM_001683.5, NM_001330611.3 and 1 more transcripts).
Identifiers: ClinVar variation 2497746 (VCV002497746.26), dbSNP rs1167853871, ClinGen allele CA351786011.

ClinVar aggregate classification (germline): Likely benign. Review status: criteria provided, single submitter (1 of 4 stars). 2 submissions from 2 submitters: Likely benign (1). 1 of the submissions does not count toward it. Last evaluated 2023-03-01.

Conditions:
Autosomal recessive nonsyndromic hearing loss 12. Also called: DEAFNESS, AUTOSOMAL RECESSIVE 12. Identifiers: Orphanet 90636, MedGen C1832394, MONDO:0011067, OMIM 601386.

gnomAD v4.1: 1 of 1,613,656 alleles (0.000062%); no homozygotes.

Submissions (2):

CeGaT Center for Human Genetics Tuebingen
Classification: Likely benign. Last evaluated: 2023-03-01. Review status: criteria provided, single submitter. Criteria: CeGaT Center For Human Genetics Tuebingen Variant Classification Criteria Version 2. Collection method: clinical testing. Allele origin: germline. Affected: yes. Observed: 1 variant allele.
Comment: ATP2B2: PVS1:Moderate, BS2

Payam Genetics Center, General Welfare Department of North Khorasan Province
Classification: Pathogenic for Autosomal recessive nonsyndromic hearing loss 12. Last evaluated: 2023-03-01. Review status: no assertion criteria provided. Collection method: clinical testing. Allele origin: germline. Affected: yes. Observed: 1 variant allele. Not counted in ClinVar's aggregate classification.
Comment: This sequence change affects a donor splice site in intron 3 of the ATP2B2 gene. While this variant is not anticipated to result in nonsense mediated decay, it likely alters RNA splicing and results in a disrupted protein product. This variant is not present in population databases (ExAC no frequency). This variant has not been reported in the literature in individuals affected with ATP2B2-related conditions and Iranom ( Iranian population genom). Algorithms developed to predict the effect of sequence changes on RNA splicing suggest that this variant may disrupt the consensus splice site. This variant disrupts a region of the ATP2B2 protein in whichThis suggests that this is a clinically significant region of the protein, and that variants that disrupt it are likely to be disease-causing. In summary, therefore it has been classified as a Variant of Patogenic.

Literature cited by the submitters: PubMed 29452611 (cited by Payam Genetics Center, General Welfare Department of North Khorasan Province).